The following is an entry in ClinVar:

ClinVar aggregate classification (germline): Uncertain significance. Review status: criteria provided, single submitter (1 of 4 stars). 2 submissions from 2 submitters: Uncertain significance (1). 1 of the submissions does not count toward it. Last evaluated 2024-11-11.

Conditions:
Dilated cardiomyopathy 3B (CMD3B). Also called: CMD3B: DMD-Related Dilated Cardiomyopathy; CARDIOMYOPATHY, DILATED, X-LINKED; DMD-Associated Dilated Cardiomyopathy. Identifiers: Orphanet 154, MedGen C3668940, MONDO:0010542, OMIM 302045.

Submissions (2):

GeneDx
Classification: Uncertain significance. Last evaluated: 2024-11-11. Review status: criteria provided, single submitter. Criteria: GeneDx Variant Classification Process June 2021. Collection method: clinical testing. Allele origin: germline. Affected: yes.
Comment: Published functional studies suggest a damaging effect in rabbit models which demonstrated elevated CK levels, sudden death, cardiac myocyte disarray and fibrosis (PMID: 30006570); Not observed at significant frequency in large population cohorts (gnomAD); In silico analysis indicates that this missense variant does not alter protein structure/function; This variant is associated with the following publications: (PMID: 25525159, 28575024, 31998848, 26659599, 32855962, 36168044, 26147798, 16124859, 32959897, 9170393, 30998092, 30006570, 9170407)

OMIM
Classification: Pathogenic for CARDIOMYOPATHY, DILATED, 3B. Last evaluated: 1997-05-20. Review status: no assertion criteria provided. Collection method: literature only. Allele origin: germline. Not counted in ClinVar's aggregate classification.

Literature cited by the submitters: PubMed 9170407 (cited by OMIM).

NM_004006.3(DMD):c.835A>G (p.Thr279Ala)

Gene: DMD (dystrophin; minus strand). Cytogenetic location: Xp21.1.
Variant type: single nucleotide variant.
Coding change: c.835A>G on transcript NM_004006.3 (MANE Select); coding-DNA position 835, A replaced by G.
Protein change: p.Thr279Ala; replaces threonine 279 with alanine.
Molecular consequence: missense variant.
Genome position (GRCh38, 1-based): chrX:32,697,995, T>C on the plus strand (A>G on the coding strand, the complement: DMD is on the minus strand). VCF-style: chrX-32697995-T-C. GRCh37 (hg19) VCF-style: chrX-32716112-T-C.
Other names: c.835A>G (NM_004006.2); c.811A>G, p.Thr271Ala (NM_000109.4); c.823A>G, p.Thr275Ala (NM_004009.3); c.466A>G, p.Thr156Ala (NM_004010.3); short protein forms T279A, T156A, T271A, T275A.
Identifiers: ClinVar variation 11279 (VCV000011279.3), dbSNP rs128627255, ClinGen allele CA255770.